The following is an entry in ClinVar:

NM_001440.4(EXTL3):c.754C>T (p.Arg252Trp)

Gene: EXTL3 (exostosin like glycosyltransferase 3; plus strand). Cytogenetic location: 8p21.1.
Variant type: single nucleotide variant.
Coding change: c.754C>T on transcript NM_001440.4 (MANE Select); coding-DNA position 754, C replaced by T.
Protein change: p.Arg252Trp; replaces arginine 252 with tryptophan.
Molecular consequence: missense variant.
Genome position (GRCh38, 1-based): chr8:28,716,813, C>T. VCF-style: chr8-28716813-C-T. GRCh37 (hg19) VCF-style: chr8-28574330-C-T.
Other names: c.754C>T (NM_001440.2); short protein forms R252W.
Identifiers: ClinVar variation 1373082 (VCV001373082.6), dbSNP rs554162593, ClinGen allele CA4696059.

ClinVar aggregate classification (germline): Uncertain significance. Review status: criteria provided, multiple submitters, no conflicts (2 of 4 stars). 2 submissions from 2 submitters: Uncertain significance (2). Last evaluated 2024-06-02.

Conditions:
Inborn genetic diseases. Identifiers: MedGen C0950123, MeSH D030342.

Allele frequency attached by ClinVar (database versions not stated): 1000 Genomes Project 0.00020; gnomAD exomes 0.00006 and 0.00004; gnomAD 0.00004 and 0.00005; TOPMed 0.00003; ExAC 0.00010; 1000 Genomes Project 30x 0.00016.
gnomAD v4.1: 62 of 1,614,170 alleles (0.0038%); highest among the groups gnomAD compares: South Asian, 0.036%; no homozygotes.

Submissions (2):

Ambry Genetics
Classification: Uncertain significance for Inborn genetic diseases. Last evaluated: 2024-06-02. Review status: criteria provided, single submitter. Criteria: Ambry Variant Classification Scheme 2023. Collection method: clinical testing. Allele origin: germline.

Labcorp Genetics (formerly Invitae), Labcorp
Classification: Uncertain significance. Last evaluated: 2022-03-27. Review status: criteria provided, single submitter. Criteria: Invitae Variant Classification Sherloc (09022015). Collection method: clinical testing. Allele origin: germline.
Comment: This sequence change replaces arginine, which is basic and polar, with tryptophan, which is neutral and slightly polar, at codon 252 of the EXTL3 protein (p.Arg252Trp). This variant is present in population databases (rs554162593, gnomAD 0.03%). This variant has not been reported in the literature in individuals affected with EXTL3-related conditions. Algorithms developed to predict the effect of missense changes on protein structure and function are either unavailable or do not agree on the potential impact of this missense change (SIFT: "Deleterious"; PolyPhen-2: "Possibly Damaging"; Align-GVGD: "Class C0"). In summary, the available evidence is currently insufficient to determine the role of this variant in disease. Therefore, it has been classified as a Variant of Uncertain Significance.